The following is an entry in ClinVar:

NM_001243925.2(MAPKAPK3):c.705-3C>T

Gene: MAPKAPK3 (MAPK activated protein kinase 3; plus strand). Cytogenetic location: 3p21.2.
Variant type: single nucleotide variant.
Coding change: c.705-3C>T on transcript NM_001243925.2 (MANE Select); 3 bases into the intron before coding-DNA position 705, C replaced by T.
Molecular consequence: intron variant.
Genome position (GRCh38, 1-based): chr3:50,646,137, C>T. VCF-style: chr3-50646137-C-T. GRCh37 (hg19) VCF-style: chr3-50683568-C-T.
Other names: c.705-3C>T (NM_001243926.2, NM_004635.5).
Identifiers: ClinVar variation 838669 (VCV000838669.7), dbSNP rs760757888, ClinGen allele CA2420346.

ClinVar aggregate classification (germline): Uncertain significance (1 of 4 stars; one submission).

Allele frequency attached by ClinVar (database versions not stated): ExAC 0.00001; gnomAD exomes 0.00001; TOPMed 0.00001.
gnomAD v4.1: 3 of 1,612,944 alleles (0.00019%); highest among the groups gnomAD compares: Non-Finnish European, 0.00025%; no homozygotes.

Submissions (2):

Labcorp Genetics (formerly Invitae), Labcorp
Classification: Uncertain significance. Last evaluated: 2019-11-20. Review status: criteria provided, single submitter. Criteria: Invitae Variant Classification Sherloc (09022015). Collection method: clinical testing. Allele origin: germline.
Comment: This sequence change falls in intron 9 of the MAPKAPK3 gene. It does not directly change the encoded amino acid sequence of the MAPKAPK3 protein, but it affects a nucleotide within the consensus splice site of the intron. This variant is present in population databases (rs760757888, ExAC 0.002%). This variant has not been reported in the literature in individuals with MAPKAPK3-related conditions. Nucleotide substitutions within the consensus splice site are a relatively common cause of aberrant splicing (PMID: 17576681, 9536098). Algorithms developed to predict the effect of sequence changes on RNA splicing suggest that this variant is not likely to affect RNA splicing, but this prediction has not been confirmed by published transcriptional studies. In summary, the available evidence is currently insufficient to determine the role of this variant in disease. Therefore, it has been classified as a Variant of Uncertain Significance.

Dr. Peter K. Rogan Lab, Western University
No classification provided (evidence only). Condition: Ovarian serous cystadenocarcinoma. Review status: no classification provided. Collection method: in vitro. Allele origin: not applicable. Functional consequence: retained intron. Not counted in ClinVar's aggregate classification.

Literature cited by the submitters: PubMed 17576681 (cited by Labcorp Genetics (formerly Invitae), Labcorp); PubMed 9536098 (cited by Labcorp Genetics (formerly Invitae), Labcorp).